The following is an entry in ClinVar:

ClinVar aggregate classification (germline): Uncertain significance (1 of 4 stars; one submission).

Conditions:
Cardiovascular phenotype. Identifiers: MedGen CN230736.

Submission:

Ambry Genetics
Classification: Uncertain significance for Cardiovascular phenotype. Last evaluated: 2025-06-01. Review status: criteria provided, single submitter. Criteria: Ambry Variant Classification Scheme 2023. Collection method: clinical testing. Allele origin: germline.
Comment: The p.L727V variant (also known as c.2179C>G), located in coding exon 17 of the MYH6 gene, results from a C to G substitution at nucleotide position 2179. The leucine at codon 727 is replaced by valine, an amino acid with highly similar properties. This amino acid position is conserved. In addition, this alteration is predicted to be deleterious by in silico analysis. Based on the available evidence, the clinical significance of this variant remains unclear.

NM_002471.4(MYH6):c.2179C>G (p.Leu727Val)

Gene: MYH6 (myosin heavy chain 6; minus strand). Cytogenetic location: 14q11.2.
Variant type: single nucleotide variant.
Coding change: c.2179C>G on transcript NM_002471.4 (MANE Select); coding-DNA position 2179, C replaced by G.
Protein change: p.Leu727Val; replaces leucine 727 with valine.
Molecular consequence: missense variant.
Genome position (GRCh38, 1-based): chr14:23,396,807, G>C on the plus strand (C>G on the coding strand, the complement: MYH6 is on the minus strand). VCF-style: chr14-23396807-G-C. GRCh37 (hg19) VCF-style: chr14-23866016-G-C.
Other names: short protein forms L727V.
Identifiers: ClinVar variation 3915608 (VCV003915608.1).